The following is an entry in ClinVar:

ClinVar aggregate classification (germline): Pathogenic (1 of 4 stars; one submission).

Submission:

Labcorp Genetics (formerly Invitae), Labcorp
Classification: Pathogenic. Last evaluated: 2019-09-21. Review status: criteria provided, single submitter. Criteria: Invitae Variant Classification Sherloc (09022015). Collection method: clinical testing. Allele origin: germline.
Comment: For these reasons, this variant has been classified as Pathogenic. Loss-of-function variants in NSD1 are known to be pathogenic (PMID: 12464997, 14571271, 15942875, 16247291). This variant has not been reported in the literature in individuals with NSD1-related conditions. This variant is not present in population databases (ExAC no frequency). This sequence change creates a premature translational stop signal (p.Phe537Leufs*18) in the NSD1 gene. It is expected to result in an absent or disrupted protein product.

Literature cited by the submitters: PubMed 12464997; PubMed 14571271; PubMed 15942875; PubMed 16247291.

NM_022455.5(NSD1):c.1609_1610delinsC (p.Phe537fs)

Gene: NSD1 (nuclear receptor binding SET domain protein 1; plus strand). Cytogenetic location: 5q35.3.
Variant type: Indel.
Coding change: c.1609_1610delinsC on transcript NM_022455.5 (MANE Select); coding-DNA positions 1609 to 1610, TT replaced by C.
Protein change: p.Phe537fs; shifts the reading frame from phenylalanine 537.
Molecular consequence: frameshift variant.
Genome position (GRCh38, 1-based): chr5:177,210,008-177,210,009, TT replaced by C. VCF-style: chr5-177210008-TT-C. GRCh37 (hg19) VCF-style: chr5-176637009-TT-C.
Other names: c.736_737delTTinsC, p.Phe246Leufs (NM_001365684.2, NM_001409306.1, NM_001409307.1 and 3 more transcripts); c.1609_1610delTTinsC, p.Phe537Leufs (NM_001409301.1, NM_001409302.1, NM_001409303.1 and 1 more transcripts); c.1189_1190delTTinsC, p.Phe397Leufs (NM_001409304.1); c.856_857delTTinsC, p.Phe286Leufs (NM_001409305.1); short protein forms F537fs, F268fs.
Identifiers: ClinVar variation 970929 (VCV000970929.3), dbSNP rs1763204241, ClinGen allele CA1139655890.